The following is an entry in ClinVar:

ClinVar aggregate classification (germline): Uncertain significance (1 of 4 stars; one submission).

Submission:

Labcorp Genetics (formerly Invitae), Labcorp
Classification: Uncertain significance. Last evaluated: 2022-04-28. Review status: criteria provided, single submitter. Criteria: Invitae Variant Classification Sherloc (09022015). Collection method: clinical testing. Allele origin: germline.
Comment: This sequence change replaces alanine, which is neutral and non-polar, with glycine, which is neutral and non-polar, at codon 496 of the SAMD11 protein (p.Ala496Gly). This variant is not present in population databases (gnomAD no frequency). This variant has not been reported in the literature in individuals affected with SAMD11-related conditions. Algorithms developed to predict the effect of missense changes on protein structure and function (SIFT, PolyPhen-2, Align-GVGD) all suggest that this variant is likely to be tolerated. In summary, the available evidence is currently insufficient to determine the role of this variant in disease. Therefore, it has been classified as a Variant of Uncertain Significance.

NM_001385641.1(SAMD11):c.1976C>G (p.Ala659Gly)

Gene: SAMD11 (sterile alpha motif domain containing 11; plus strand). Cytogenetic location: 1p36.33.
Variant type: single nucleotide variant.
Coding change: c.1976C>G on transcript NM_001385641.1 (MANE Select); coding-DNA position 1976, C replaced by G.
Protein change: p.Ala659Gly; replaces alanine 659 with glycine.
Molecular consequence: missense variant.
Genome position (GRCh38, 1-based): chr1:942,981, C>G. VCF-style: chr1-942981-C-G. GRCh37 (hg19) VCF-style: chr1-878361-C-G.
Other names: c.1487C>G, p.Ala496Gly (NM_152486.4); c.1979C>G, p.Ala660Gly (NM_001385640.1); short protein forms A496G, A659G, A660G.
Identifiers: ClinVar variation 2427912 (VCV002427912.3), dbSNP rs1474653140, ClinGen allele CA337812962.